The following is an entry in ClinVar:

NM_002485.5(NBN):c.2070+1G>A

Gene: NBN (nibrin; minus strand). Cytogenetic location: 8q21.3.
Variant type: single nucleotide variant.
Coding change: c.2070+1G>A on transcript NM_002485.5 (MANE Select); the canonical splice donor site of the intron after coding-DNA position 2070, G replaced by A.
Molecular consequence: splice donor variant.
Genome position (GRCh38, 1-based): chr8:89,946,139, C>T on the plus strand (G>A on the coding strand, the complement: NBN is on the minus strand). VCF-style: chr8-89946139-C-T. GRCh37 (hg19) VCF-style: chr8-90958367-C-T.
Other names: c.1824+1G>A (NM_001024688.3).
Identifiers: ClinVar variation 490053 (VCV000490053.20), dbSNP rs1554556454, ClinGen allele CA371676311.
Genomic context (GRCh38, chr8:89,946,139, plus strand): 5'-CACTGGTATCTCTAAAAACATTTCAAACACTGACCTCTTGTGATACAGTTGAAATACCTA[C>T]CTTTTTGAATTTCTTGAAATTTTTTAGTTGACCATAATCATCATTTATGCCAGATGGATT-3'

ClinVar aggregate classification (germline): Likely pathogenic. Review status: criteria provided, multiple submitters, no conflicts (2 of 4 stars). 4 submissions from 4 submitters: Likely pathogenic (3). 1 of the submissions does not count toward it. Last evaluated 2023-01-13.

Conditions:
Hereditary cancer-predisposing syndrome. Also called: Tumor predisposition; Neoplastic Syndromes, Hereditary; Hereditary Cancer Syndrome; Hereditary neoplastic syndrome. Identifiers: Orphanet 140162, MedGen C0027672, MeSH D009386, MONDO:0015356.
Microcephaly, normal intelligence and immunodeficiency (NBS). Also called: BERLIN BREAKAGE SYNDROME; Ataxia telangiectasia variant V1; IMMUNODEFICIENCY, MICROCEPHALY, AND CHROMOSOMAL INSTABILITY; SEEMANOVA SYNDROME II; Immunodeficiency, microcephaly with normal intelligence; Nijmegen breakage syndrome. Identifiers: Orphanet 647, MedGen C0398791, MONDO:0009623, OMIM 251260.

Allele frequency attached by ClinVar (database versions not stated): gnomAD exomes below 0.00001.
gnomAD v4.1: 1 of 1,569,032 alleles (0.000064%); highest among the groups gnomAD compares: Non-Finnish European, 0.000088%; no homozygotes.

Submissions (4):

Labcorp Genetics (formerly Invitae), Labcorp
Classification: Likely pathogenic for Microcephaly, normal intelligence and immunodeficiency. Last evaluated: 2023-01-13. Review status: criteria provided, single submitter. Criteria: Invitae Variant Classification Sherloc (09022015). Collection method: clinical testing. Allele origin: germline.
Comment: Algorithms developed to predict the effect of sequence changes on RNA splicing suggest that this variant may disrupt the consensus splice site. In summary, the currently available evidence indicates that the variant is pathogenic, but additional data are needed to prove that conclusively. Therefore, this variant has been classified as Likely Pathogenic. ClinVar contains an entry for this variant (Variation ID: 490053). This variant has not been reported in the literature in individuals affected with NBN-related conditions. This variant is not present in population databases (gnomAD no frequency). This sequence change affects a donor splice site in intron 13 of the NBN gene. It is expected to disrupt RNA splicing. Variants that disrupt the donor or acceptor splice site typically lead to a loss of protein function (PMID: 16199547), and loss-of-function variants in NBN are known to be pathogenic (PMID: 9590180, 16415040).

Genome-Nilou Lab
Classification: Likely pathogenic for Microcephaly, normal intelligence and immunodeficiency. Last evaluated: 2021-11-07. Review status: criteria provided, single submitter. Criteria: ACMG Guidelines, 2015. Collection method: clinical testing. Allele origin: germline. Affected: no.

Ambry Genetics
Classification: Likely pathogenic for Hereditary cancer-predisposing syndrome. Last evaluated: 2021-04-16. Review status: criteria provided, single submitter. Criteria: Ambry Variant Classification Scheme 2023. Collection method: clinical testing. Allele origin: germline.
Comment: The c.2070+1G>A intronic variant results from a G to A substitution one nucleotide after coding exon 13 of the NBN gene. Alterations that disrupt the canonical splice site are expected to result in aberrant splicing. In silico splice site analysis predicts that this alteration will weaken the native splice donor site and may result in the creation or strengthening of a novel splice donor site. The resulting transcript is predicted to be in-frame and is not expected to trigger nonsense-mediated mRNAdecay; however, direct evidence is unavailable. This nucleotide position is highly conserved in available vertebrate species. Based on the majority of available evidence to date, this variant is likely to be pathogenic.

Counsyl
Classification: Likely pathogenic for Microcephaly, normal intelligence and immunodeficiency. Last evaluated: 2017-12-21. Review status: no assertion criteria provided. Collection method: clinical testing. Allele origin: unknown. Not counted in ClinVar's aggregate classification.

Literature cited by the submitters: PubMed 16199547 (cited by Labcorp Genetics (formerly Invitae), Labcorp); PubMed 9590180 (cited by Labcorp Genetics (formerly Invitae), Labcorp); PubMed 16415040 (cited by Labcorp Genetics (formerly Invitae), Labcorp).